The following is an entry in ClinVar:

ClinVar aggregate classification (germline): Likely pathogenic (1 of 4 stars; one submission).

Conditions:
Imerslund-Grasbeck syndrome. Also called: PERNICIOUS ANEMIA, JUVENILE, DUE TO SELECTIVE INTESTINAL MALABSORPTION OF VITAMIN B12, WITH PROTEINURIA; Imerslund-Gräsbeck syndrome; ENTEROCYTE COBALAMIN MALABSORPTION; ENTEROCYTE INTRINSIC FACTOR RECEPTOR, DEFECT OF; Megaloblastic anemia due to inborn errors of metabolism. Identifiers: Orphanet 35858, MedGen C4551825, MONDO:0009853.

Submission:

Labcorp Genetics (formerly Invitae), Labcorp
Classification: Likely pathogenic for Imerslund-Grasbeck syndrome. Last evaluated: 2024-08-07. Review status: criteria provided, single submitter. Criteria: Invitae Variant Classification Sherloc (09022015). Collection method: clinical testing. Allele origin: germline.
Comment: This sequence change affects a splice site in intron 54 of the CUBN gene. It is expected to disrupt RNA splicing. Variants that disrupt the donor or acceptor splice site typically lead to a loss of protein function (PMID: 16199547), and loss-of-function variants in CUBN are known to be pathogenic (PMID: 15024727, 22929189, 25349199, 31613795, 34979989). This variant is not present in population databases (gnomAD no frequency). This variant has not been reported in the literature in individuals affected with CUBN-related conditions. Algorithms developed to predict the effect of sequence changes on RNA splicing suggest that this variant may disrupt the consensus splice site. In summary, the currently available evidence indicates that the variant is pathogenic, but additional data are needed to prove that conclusively. Therefore, this variant has been classified as Likely Pathogenic.

Literature cited by the submitters: PubMed 16199547; PubMed 15024727; PubMed 22929189; PubMed 25349199; PubMed 31613795; PubMed 34979989.

NM_001081.4(CUBN):c.8598+1_8598+5del

Gene: CUBN (cubilin; minus strand). Cytogenetic location: 10p13.
Variant type: Deletion.
Coding change: c.8598+1_8598+5del on transcript NM_001081.4 (MANE Select); the canonical splice donor site of the intron after coding-DNA position 8598 through 5 bases into the intron after coding-DNA position 8598, 5 bases deleted (GTTAG; older notation c.8598+1_8598+5delGTTAG).
Molecular consequence: splice donor variant.
Genome position (GRCh38, 1-based): chr10:16,898,991-16,898,995, CTAAC deleted on the plus strand (GTTAG on the coding strand, the reverse complement: CUBN is on the minus strand); deleting any 5 consecutive bases within chr10:16,898,991-16,898,997 gives the same sequence; the c. name uses the placement nearest the transcript's 3' end. VCF-style (leftmost placement, unchanged base first): chr10-16898990-ACTAAC-A. GRCh37 (hg19) VCF-style: chr10-16940989-ACTAAC-A.
Identifiers: ClinVar variation 3667431 (VCV003667431.2).